The following is an entry in ClinVar:

NM_001854.4(COL11A1):c.4072C>T (p.Pro1358Ser)

Gene: COL11A1 (collagen type XI alpha 1 chain; minus strand). Cytogenetic location: 1p21.1.
Variant type: single nucleotide variant.
Coding change: c.4072C>T on transcript NM_001854.4 (MANE Select); coding-DNA position 4072, C replaced by T.
Protein change: p.Pro1358Ser; replaces proline 1358 with serine.
Molecular consequence: missense variant. On other transcripts: non-coding transcript variant (1).
Genome position (GRCh38, 1-based): chr1:102,912,173, G>A on the plus strand (C>T on the coding strand, the complement: COL11A1 is on the minus strand). VCF-style: chr1-102912173-G-A. GRCh37 (hg19) VCF-style: chr1-103377729-G-A.
Other names: c.3955C>T, p.Pro1319Ser (NM_001190709.2); c.4108C>T, p.Pro1370Ser (NM_080629.3); c.3724C>T, p.Pro1242Ser (NM_080630.4); short protein forms P1242S, P1319S, P1358S, P1370S.
Identifiers: ClinVar variation 1313632 (VCV001313632.2), dbSNP rs2101016676, ClinGen allele CA341160177.

ClinVar aggregate classification (germline): Uncertain significance (1 of 4 stars; one submission).

Allele frequency attached by ClinVar (database versions not stated): gnomAD exomes below 0.00001.
gnomAD v4.1: 1 of 1,611,290 alleles (0.000062%); no homozygotes.

Submission:

GeneDx
Classification: Uncertain significance. Last evaluated: 2021-05-07. Review status: criteria provided, single submitter. Criteria: GeneDx Variant Classification Process June 2021. Collection method: clinical testing. Allele origin: germline. Affected: yes.
Comment: Has not been previously published as pathogenic or benign to our knowledge; Not observed at a significant frequency in large population cohorts (Lek et al., 2016); In silico analysis supports that this missense variant has a deleterious effect on protein structure/function